The following is an entry in ClinVar:

ClinVar aggregate classification (germline): not provided (0 of 4 stars; one submission).

Allele frequency attached by ClinVar (database versions not stated): gnomAD 0.00004 and below 0.00001; gnomAD exomes 0.00007 and 0.00024; ExAC 0.00023; TOPMed 0.00002.
gnomAD v4.1: 122 of 1,609,622 alleles (0.0076%); highest among the groups gnomAD compares: South Asian, 0.1%; 2 homozygotes.

Submission:

Human Evolutionary Genetics, Institut Pasteur
No classification provided. Review status: no classification provided. Collection method: not provided. Allele origin: germline.
ClinVar note: Converted during submission from untested to not provided.

NM_176820.4(NLRP9):c.20C>T (p.Ser7Leu)

Gene: NLRP9 (NLR family pyrin domain containing 9; minus strand). Cytogenetic location: 19q13.42.
Variant type: single nucleotide variant.
Coding change: c.20C>T on transcript NM_176820.4 (MANE Select); coding-DNA position 20, C replaced by T.
Protein change: p.Ser7Leu; replaces serine 7 with leucine.
Molecular consequence: missense variant.
Genome position (GRCh38, 1-based): chr19:55,738,355, G>A on the plus strand (C>T on the coding strand, the complement: NLRP9 is on the minus strand). VCF-style: chr19-55738355-G-A. GRCh37 (hg19) VCF-style: chr19-56249721-G-A.
Other names: short protein forms S7L.
Identifiers: ClinVar variation 132878 (VCV000132878.2), dbSNP rs199475846, ClinGen allele CA231730.